The following is an entry in ClinVar:

ClinVar aggregate classification (germline): Uncertain significance (1 of 4 stars; one submission).

Conditions:
Long QT syndrome (LQTS). Identifiers: MedGen C0023976, MeSH D008133, MONDO:0002442. Disease mechanism: loss of function. Inheritance: Various modes of inheritance.

gnomAD v4.1: 2 of 1,613,828 alleles (0.00012%); highest among the groups gnomAD compares: Non-Finnish European, 0.00017%; no homozygotes.

Submission:

Labcorp Genetics (formerly Invitae), Labcorp
Classification: Uncertain significance for Long QT syndrome. Last evaluated: 2026-01-18. Review status: criteria provided, single submitter. Criteria: Invitae Variant Classification Sherloc (09022015). Collection method: clinical testing. Allele origin: germline.
Comment: This sequence change replaces arginine, which is basic and polar, with glutamine, which is neutral and polar, at codon 1027 of the CACNA1C protein (p.Arg1027Gln). This variant is not present in population databases (gnomAD no frequency). This variant has not been reported in the literature in individuals affected with CACNA1C-related conditions. ClinVar contains an entry for this variant (Variation ID: 1421310). Invitae Evidence Modeling of protein sequence and biophysical properties (such as structural, functional, and spatial information, amino acid conservation, physicochemical variation, residue mobility, and thermodynamic stability) indicates that this missense variant is expected to disrupt CACNA1C protein function with a positive predictive value of 95%. Algorithms developed to predict the effect of sequence changes on RNA splicing suggest that this variant may create or strengthen a splice site. In summary, the available evidence is currently insufficient to determine the role of this variant in disease. Therefore, it has been classified as a Variant of Uncertain Significance.

NM_000719.7(CACNA1C):c.3080G>A (p.Arg1027Gln)

Gene: CACNA1C (calcium voltage-gated channel subunit alpha1 C; plus strand). Cytogenetic location: 12p13.33.
Variant type: single nucleotide variant.
Coding change: c.3080G>A on transcript NM_000719.7 (MANE Select); coding-DNA position 3080, G replaced by A.
Protein change: p.Arg1027Gln; replaces arginine 1027 with glutamine.
Molecular consequence: missense variant.
Genome position (GRCh38, 1-based): chr12:2,605,710, G>A. VCF-style: chr12-2605710-G-A. GRCh37 (hg19) VCF-style: chr12-2714876-G-A.
Other names: c.3140G>A, p.Arg1047Gln (NM_001129827.2, NM_001129832.2, NM_199460.4); c.3080G>A, p.Arg1027Gln (NM_001129829.2, NM_001129830.3, NM_001129831.2 and 15 more transcripts); c.3071G>A, p.Arg1024Gln (NM_001129844.2); short protein forms R1024Q, R1027Q, R1047Q.
Identifiers: ClinVar variation 1421310 (VCV001421310.8), dbSNP rs2153427022, ClinGen allele CA383374142.